The following is an entry in ClinVar:

NM_004568.6(SERPINB6):c.178A>G (p.Asn60Asp)

Gene: SERPINB6 (serpin family B member 6; minus strand). Cytogenetic location: 6p25.2.
Variant type: single nucleotide variant.
Coding change: c.178A>G on transcript NM_004568.6 (MANE Select); coding-DNA position 178, A replaced by G.
Protein change: p.Asn60Asp; replaces asparagine 60 with aspartic acid.
Molecular consequence: missense variant. On other transcripts: non-coding transcript variant (1).
Genome position (GRCh38, 1-based): chr6:2,955,658, T>C on the plus strand (A>G on the coding strand, the complement: SERPINB6 is on the minus strand). VCF-style: chr6-2955658-T-C. GRCh37 (hg19) VCF-style: chr6-2955892-T-C.
Other names: c.190A>G, p.Asn64Asp (NM_001195291.3, NM_001374515.1); c.220A>G, p.Asn74Asp (NM_001271822.2); c.235A>G, p.Asn79Asp (NM_001271823.2); c.178A>G, p.Asn60Asp (NM_001271824.2, NM_001271825.2, NM_001297699.2 and 2 more transcripts); c.46A>G, p.Asn16Asp (NM_001374517.1); short protein forms N64D, N16D, N60D, N74D, N79D.
Identifiers: ClinVar variation 929976 (VCV000929976.4), dbSNP rs1442219139, ClinGen allele CA362585636.

ClinVar aggregate classification (germline): Likely benign (1 of 4 stars; one submission).

Allele frequency attached by ClinVar (database versions not stated): gnomAD exomes 0.00001.
gnomAD v4.1: 8 of 1,614,172 alleles (0.0005%); highest among the groups gnomAD compares: East Asian, 0.018%; no homozygotes.

Submission:

Laboratory for Molecular Medicine, Mass General Brigham Personalized Medicine
Classification: Likely benign. Last evaluated: 2019-12-23. Review status: criteria provided, single submitter. Criteria: LMM Criteria. Collection method: clinical testing. Allele origin: germline. Observed: 1 variant allele.
Comment: The p.Asn60Asp variant in SERPINB6 is classified as likely benign due to a lack of conservation across species. Six mammals (Prarie vole, Chinese hamster, golden hamster, mouse, rat, cape elephant shrew) carry a asparartic acid (Asp) at this position despite high nearby amino acid conservation. ACMG/AMP Criteria applied: BP4_Strong.